The following is an entry in ClinVar:

ClinVar aggregate classification (germline): Uncertain significance (1 of 4 stars; one submission).

gnomAD v4.1: 1 of 1,485,866 alleles (0.000067%); highest among the groups gnomAD compares: Non-Finnish European, 0.000089%; no homozygotes.

Submission:

Labcorp Genetics (formerly Invitae), Labcorp
Classification: Uncertain significance. Last evaluated: 2025-03-25. Review status: criteria provided, single submitter. Criteria: Invitae Variant Classification Sherloc (09022015). Collection method: clinical testing. Allele origin: germline.
Comment: This sequence change replaces proline, which is neutral and non-polar, with arginine, which is basic and polar, at codon 1306 of the GRIN2D protein (p.Pro1306Arg). This variant is not present in population databases (gnomAD no frequency). This variant has not been reported in the literature in individuals affected with GRIN2D-related conditions. Invitae Evidence Modeling of protein sequence and biophysical properties (such as structural, functional, and spatial information, amino acid conservation, physicochemical variation, residue mobility, and thermodynamic stability) indicates that this missense variant is not expected to disrupt GRIN2D protein function with a negative predictive value of 95%. In summary, the available evidence is currently insufficient to determine the role of this variant in disease. Therefore, it has been classified as a Variant of Uncertain Significance.

NM_000836.4(GRIN2D):c.3917C>G (p.Pro1306Arg)

Gene: GRIN2D (glutamate ionotropic receptor NMDA type subunit 2D; plus strand). Cytogenetic location: 19q13.33.
Variant type: single nucleotide variant.
Coding change: c.3917C>G on transcript NM_000836.4 (MANE Select); coding-DNA position 3917, C replaced by G.
Protein change: p.Pro1306Arg; replaces proline 1306 with arginine.
Molecular consequence: missense variant.
Genome position (GRCh38, 1-based): chr19:48,443,843, C>G. VCF-style: chr19-48443843-C-G. GRCh37 (hg19) VCF-style: chr19-48947100-C-G.
Other names: short protein forms P1306R.
Identifiers: ClinVar variation 4802165 (VCV004802165.1).